The following is an entry in ClinVar:

ClinVar aggregate classification (germline): Benign. Review status: criteria provided, multiple submitters, no conflicts (2 of 4 stars). 9 submissions from 9 submitters: Benign (7). 2 of the submissions do not count toward it. Last evaluated 2026-02-04.

Conditions:
Fraser syndrome 1 (FRASRS1). Also called: CRYPTOPHTHALMOS WITH OTHER MALFORMATIONS. Identifiers: Orphanet 2052, MedGen C4551480, MONDO:0054737, OMIM 219000.

Allele frequency attached by ClinVar (database versions not stated): 1000 Genomes Project 30x 0.29044; 1000 Genomes Project 0.29133; ESP Exome Variant Server 0.31080; TOPMed 0.32034; gnomAD 0.32493 and 0.32564; gnomAD exomes 0.36651 and 0.37099; ExAC 0.39045.
gnomAD v4.1: 569,848 of 1,576,474 alleles (36%); highest among the groups gnomAD compares: Admixed American, 45%; 106,007 homozygotes.

Submissions (9):

Labcorp Genetics (formerly Invitae), Labcorp
Classification: Benign. Last evaluated: 2026-02-04. Review status: criteria provided, single submitter. Criteria: Invitae Variant Classification Sherloc (09022015). Collection method: clinical testing. Allele origin: germline.

Blueprint Genetics
Classification: Benign. Last evaluated: 2024-11-26. Review status: criteria provided, single submitter. Criteria: ACMG Guidelines, 2015. Collection method: clinical testing. Allele origin: germline.

Mayo Clinic Laboratories, Mayo Clinic
Classification: Benign. Last evaluated: 2022-03-09. Review status: criteria provided, single submitter. Criteria: ACMG Guidelines, 2015. Collection method: clinical testing. Allele origin: germline. Observed: 45 variant alleles.

Genome-Nilou Lab
Classification: Benign for Fraser syndrome 1. Last evaluated: 2021-08-10. Review status: criteria provided, single submitter. Criteria: ACMG Guidelines, 2015. Collection method: clinical testing. Allele origin: germline. Affected: no.

Illumina Laboratory Services, Illumina
Classification: Benign for Fraser syndrome 1. Last evaluated: 2018-01-13. Review status: criteria provided, single submitter. Criteria: ICSL Variant Classification Criteria 13 December 2019. Collection method: clinical testing. Allele origin: germline.
Comment: This variant was observed in the ICSL laboratory as part of a predisposition screen in an ostensibly healthy population. It had not been previously curated by ICSL or reported in the Human Gene Mutation Database (HGMD: prior to June 1st, 2018), and was therefore a candidate for classification through an automated scoring system. Utilizing variant allele frequency, disease prevalence and penetrance estimates, and inheritance mode, an automated score was calculated to assess if this variant is too frequent to cause the disease. Based on the score and internal cut-off values, a variant classified as benign is not then subjected to further curation. The score for this variant resulted in a classification of benign for this disease.

Breakthrough Genomics
Classification: Benign. Review status: criteria provided, single submitter. Criteria: ACMG Guidelines, 2015. Collection method: not provided. Allele origin: germline. Inheritance: Autosomal recessive inheritance. Affected: yes.

PreventionGenetics, part of Exact Sciences
Classification: Benign. Review status: criteria provided, single submitter. Criteria: ACMG Guidelines, 2015. Collection method: clinical testing. Allele origin: germline.

Diagnostic Laboratory, Department of Genetics, University Medical Center Groningen
Classification: Benign for Fraser syndrome 1. Review status: no assertion criteria provided. Collection method: clinical testing. Allele origin: germline. Affected: yes. Study: VKGL Data-share Consensus. Not counted in ClinVar's aggregate classification.

Genome Diagnostics Laboratory, University Medical Center Utrecht
Classification: Benign. Review status: no assertion criteria provided. Collection method: clinical testing. Allele origin: germline. Affected: yes. Study: VKGL Data-share Consensus. Not counted in ClinVar's aggregate classification.

NM_025074.7(FRAS1):c.8439C>T (p.Asp2813=)

Gene: FRAS1 (Fraser extracellular matrix complex subunit 1; plus strand). Cytogenetic location: 4q21.21.
Variant type: single nucleotide variant.
Coding change: c.8439C>T on transcript NM_025074.7 (MANE Select); coding-DNA position 8439, C replaced by T.
Protein change: p.Asp2813=; no amino-acid change (aspartic acid 2813 retained).
Molecular consequence: synonymous variant.
Genome position (GRCh38, 1-based): chr4:78,479,714, C>T. VCF-style: chr4-78479714-C-T. GRCh37 (hg19) VCF-style: chr4-79400868-C-T.
Other names: p.Asp2813=.
Identifiers: ClinVar variation 261815 (VCV000261815.18), dbSNP rs11098194, ClinGen allele CA2978357.